The following is an entry in ClinVar:

NM_004168.4(SDHA):c.1421C>T (p.Ser474Leu)

Gene: SDHA (succinate dehydrogenase complex flavoprotein subunit A; plus strand). Cytogenetic location: 5p15.33.
Variant type: single nucleotide variant.
Coding change: c.1421C>T on transcript NM_004168.4 (MANE Select); coding-DNA position 1421, C replaced by T.
Protein change: p.Ser474Leu; replaces serine 474 with leucine.
Molecular consequence: missense variant.
Genome position (GRCh38, 1-based): chr5:236,588, C>T. VCF-style: chr5-236588-C-T. GRCh37 (hg19) VCF-style: chr5-236703-C-T.
Other names: c.1277C>T, p.Ser426Leu (NM_001294332.2); c.1421C>T, p.Ser474Leu (NM_001330758.2); short protein forms S426L, S474L.
Identifiers: ClinVar variation 3754201 (VCV003754201.2).

ClinVar aggregate classification (germline): Uncertain significance (1 of 4 stars; one submission).

Conditions:
Mitochondrial complex II deficiency, nuclear type 1. Also called: SUCCINATE CoQ REDUCTASE DEFICIENCY. Identifiers: Orphanet 3208, MedGen C5700310, MONDO:0100294, OMIM 252011.
Pheochromocytoma/paraganglioma syndrome 5. Also called: Paragangliomas 5; SDHA-Related Hereditary Paraganglioma-Pheochromocytoma Syndrome. Identifiers: Orphanet 29072, MedGen C3279992, MONDO:0013602, OMIM 614165.

Submission:

Labcorp Genetics (formerly Invitae), Labcorp
Classification: Uncertain significance for Pheochromocytoma/paraganglioma syndrome 5; Mitochondrial complex II deficiency, nuclear type 1. Last evaluated: 2024-03-19. Review status: criteria provided, single submitter. Criteria: Invitae Variant Classification Sherloc (09022015). Collection method: clinical testing. Allele origin: germline.
Comment: This sequence change replaces serine, which is neutral and polar, with leucine, which is neutral and non-polar, at codon 474 of the SDHA protein (p.Ser474Leu). This variant is not present in population databases (gnomAD no frequency). This variant has not been reported in the literature in individuals affected with SDHA-related conditions. Advanced modeling of protein sequence and biophysical properties (such as structural, functional, and spatial information, amino acid conservation, physicochemical variation, residue mobility, and thermodynamic stability) performed at Invitae indicates that this missense variant is not expected to disrupt SDHA protein function with a negative predictive value of 95%. In summary, the available evidence is currently insufficient to determine the role of this variant in disease. Therefore, it has been classified as a Variant of Uncertain Significance.